The following is an entry in ClinVar:

ClinVar aggregate classification (germline): Pathogenic. Review status: criteria provided, multiple submitters, no conflicts (2 of 4 stars). 3 submissions from 3 submitters: Pathogenic (3). Last evaluated 2025-06-09.

Conditions:
Pontocerebellar hypoplasia type 4 (PCH4). Also called: Pontocerebellar Hypoplasia Type 4 (PCH4). Identifiers: Orphanet 166063, MedGen C1856974, MONDO:0009166, OMIM 225753.
Pontocerebellar hypoplasia type 2A (PCH2A). Also called: PONTOCEREBELLAR HYPOPLASIA WITH PROGRESSIVE CEREBRAL ATROPHY; VOLENDAM NEURODEGENERATIVE DISEASE. Identifiers: Orphanet 2524, MedGen C1848526, MONDO:0010190, OMIM 277470.
Pontocerebellar hypoplasia type 5 (PCH5). Also called: Pontocerebellar Hypoplasia Type 5 (PCH5). Identifiers: Orphanet 166068, MedGen C1857762, MONDO:0012438, OMIM 610204.

Allele frequency attached by ClinVar (database versions not stated): gnomAD 0.00001; TOPMed 0.00001; ExAC 0.00002; gnomAD exomes 0.00002 and 0.00003.

Submissions (3):

GeneDx
Classification: Pathogenic. Last evaluated: 2025-06-09. Review status: criteria provided, single submitter. Criteria: GeneDx Variant Classification Process June 2021. Collection method: clinical testing. Allele origin: germline. Affected: yes.
Comment: Frameshift variant predicted to result in protein truncation or nonsense mediated decay in a gene for which loss of function is a known mechanism of disease; Not observed at significant frequency in large population cohorts (gnomAD); Has not been previously published as pathogenic or benign to our knowledge; This variant is associated with the following publications: (PMID: 31589614)

Labcorp Genetics (formerly Invitae), Labcorp
Classification: Pathogenic. Last evaluated: 2023-11-30. Review status: criteria provided, single submitter. Criteria: Invitae Variant Classification Sherloc (09022015). Collection method: clinical testing. Allele origin: germline.
Comment: This sequence change creates a premature translational stop signal (p.Lys224Glufs*69) in the TSEN54 gene. It is expected to result in an absent or disrupted protein product. Loss-of-function variants in TSEN54 are known to be pathogenic (PMID: 18711368, 20952379). This variant is present in population databases (rs762142684, gnomAD 0.004%). This variant has not been reported in the literature in individuals affected with TSEN54-related conditions. ClinVar contains an entry for this variant (Variation ID: 265282). For these reasons, this variant has been classified as Pathogenic.

Fulgent Genetics
Classification: Pathogenic for Pontocerebellar hypoplasia type 4; Pontocerebellar hypoplasia type 2A; Pontocerebellar hypoplasia type 5. Last evaluated: 2022-05-31. Review status: criteria provided, single submitter. Criteria: ACMG Guidelines, 2015. Collection method: clinical testing. Allele origin: unknown.

Literature cited by the submitters: PubMed 18711368 (cited by Labcorp Genetics (formerly Invitae), Labcorp); PubMed 20952379 (cited by Labcorp Genetics (formerly Invitae), Labcorp).

NM_207346.3(TSEN54):c.670_671del (p.Lys224fs)

Gene: TSEN54 (tRNA splicing endonuclease subunit 54; plus strand). Cytogenetic location: 17q25.1.
Variant type: Deletion.
Coding change: c.670_671del on transcript NM_207346.3 (MANE Select); coding-DNA positions 670 to 671, 2 bases deleted (AA; older notation c.670_671delAA).
Protein change: p.Lys224fs; shifts the reading frame from lysine 224.
Molecular consequence: frameshift variant.
Genome position (GRCh38, 1-based): chr17:75,521,751-75,521,752, AA deleted. VCF-style (leftmost placement, unchanged base first): chr17-75521750-CAA-C. GRCh37 (hg19) VCF-style: chr17-73517831-CAA-C.
Other names: c.670_671del (NM_207346.2); short protein forms K224fs.
Identifiers: ClinVar variation 265282 (VCV000265282.7), dbSNP rs762142684, ClinGen allele CA8764245.